The following is an entry in ClinVar:

ClinVar aggregate classification (germline): Pathogenic. Review status: criteria provided, multiple submitters, no conflicts (2 of 4 stars). 10 submissions from 10 submitters: Pathogenic (7). 3 of the submissions do not count toward it. Last evaluated 2025-06-02.

Conditions:
von Willebrand disorder (VWD). Also called: von Willebrand Diseases; Von Willebrand disease (hereditary or acquired); von Willebrand's disease. Identifiers: MedGen C0042974, MeSH D014842, MONDO:0024574.
von Willebrand disease type 1 (VWD1). Also called: VWD, TYPE 1; VON WILLEBRAND DISEASE, TYPE I. Identifiers: Orphanet 166078, Orphanet 903, MedGen C1264039, MONDO:0008668, OMIM 193400. Inheritance: autosomal recessive or autosomal dominant.
von Willebrand disease type 3 (VWD3). Also called: Type 3 Von Willebrand's disease; Type 3 VWD; Von Willebrand disease, severe form; V WD3; VON WILLEBRAND DISEASE, TYPE III. Identifiers: Orphanet 166096, MedGen C1264041, MONDO:0010191, OMIM 277480.
VWF-related disorder. Also called: VWF-related disorders; VWF-related condition.
von Willebrand disease type 2 (VWD2). Also called: VWD, TYPE 2; VON WILLEBRAND DISEASE, TYPE 2A/IIE; VON WILLEBRAND DISEASE, TYPE 2CB; VON WILLEBRAND DISEASE, TYPE II. Identifiers: Orphanet 166081, Orphanet 903, MedGen C1264040, MONDO:0013304, OMIM 613554.

Allele frequency attached by ClinVar (database versions not stated): ExAC 0.00001; gnomAD 0.00001; gnomAD exomes 0.00001; TOPMed 0.00001.
gnomAD v4.1: 15 of 1,614,008 alleles (0.00093%); highest among the groups gnomAD compares: Admixed American, 0.0033%; no homozygotes.

Submissions (10):

ARUP Laboratories, Molecular Genetics and Genomics, ARUP Laboratories
Classification: Pathogenic. Last evaluated: 2025-06-02. Review status: criteria provided, single submitter. Criteria: ARUP Molecular Germline Variant Investigation Process 2024. Collection method: clinical testing. Allele origin: germline.
Comment: The VWF c.5335C>T; p.Arg1779Ter variant (rs61750606, ClinVar Variation ID: 100425) is reported in the literature in compound heterozygous and homozygous individuals affected with von Willebrand disease type 3 (Ahmad 2014, Elayaperumal 2018, Kasatkar 2014, Liang 2017). Additionally, this has been found in an individual with von Willebrand disease type 1 (Goodeve 2007). This variant is only observed on two alleles in the Genome Aggregation Database (v2.1.1), indicating it is not a common polymorphism. This variant induces an early termination codon and is predicted to result in a truncated protein or mRNA subject to nonsense-mediated decay. Based on available information, this variant is considered to be pathogenic. References: Ahmad F et al. Germline de novo mutations and linkage markers vs. DNA sequencing for carrier detection in von Willebrand disease. Haemophilia. 2014 Jul;20(4):e311-7. PMID: 24712919. Elayaperumal S et al. Type-3 von Willebrand disease in India-Clinical spectrum and molecular profile. Haemophilia. 2018 Nov;24(6):930-940. PMID: 29984440. Goodeve A et al. Phenotype and genotype of a cohort of families historically diagnosed with type 1 von Willebrand disease in the European study, Molecular and Clinical Markers for the Diagnosis and Management of Type 1 von Willebrand Disease (MCMDM-1VWD). Blood. 2007 Jan 1;109(1):112-21. PMID: 16985174. Kasatkar P et al. Genetic heterogeneity in a large cohort of Indian type 3 von Willebrand disease patients. PLoS One. 2014 Mar 27;9(3):e92575. PMID: 24675615. Liang Q et al. Molecular and clinical profile of VWD in a large cohort of Chinese population: application of next generation sequencing and CNVplex technique. Thromb Haemost. 2017 Jul 26;117(8):1534-1548. PMID: 28536718.

GeneDx
Classification: Pathogenic. Last evaluated: 2025-04-08. Review status: criteria provided, single submitter. Criteria: GeneDx Variant Classification Process June 2021. Collection method: clinical testing. Allele origin: germline. Affected: yes.
Comment: Nonsense variant predicted to result in protein truncation or nonsense mediated decay in a gene for which loss of function is a known mechanism of disease; Not observed at significant frequency in large population cohorts (gnomAD); This variant is associated with the following publications: (PMID: 18315556, 23407766, 22102194, 25525159, 28536718, 29984440, 33807613, 37647632, 16985174, 24675615, 24712919)

Quest Diagnostics Nichols Institute San Juan Capistrano
Classification: Pathogenic. Last evaluated: 2024-08-19. Review status: criteria provided, single submitter. Criteria: Quest Diagnostics criteria. Collection method: clinical testing. Allele origin: unknown.
Comment: The VWF c.5335C>T (p.Arg1779*) variant causes the premature termination of VWF protein synthesis. This variant has been reported in the published literature in individuals with von Willebrand disease Type 3 (PMID: 24712919 (2014), 28536718 (2017), 29984440 (2018)) as well as in another individual described with abnormal multimers (PMID: 16985174 (2007)). The frequency of this variant in the general population, 0.000008 (2/251492 chromosomes (Genome Aggregation Database)), is consistent with pathogenicity. Analysis of this variant using software algorithms for the prediction of the effect of nucleotide changes on splicing yielded predictions that this variant does not affect VWF mRNA splicing. Based on the available information, this variant is classified as pathogenic.

Women's Health and Genetics/Laboratory Corporation of America, LabCorp
Classification: Pathogenic for von Willebrand disorder. Last evaluated: 2024-07-29. Review status: criteria provided, single submitter. Criteria: LabCorp Variant Classification Summary - May 2015. Collection method: clinical testing. Allele origin: germline.
Comment: Variant summary: VWF c.5335C>T (p.Arg1779X) results in a premature termination codon, predicted to cause a truncation of the encoded protein or absence of the protein due to nonsense mediated decay, which are commonly known mechanisms for disease. The variant allele was found at a frequency of 8e-06 in 251492 control chromosomes (gnomAD). c.5335C>T has been reported in the literature in multiple individuals affected with Von Willebrand Disease (e.g. Kasatkar_2014). These data indicate that the variant is very likely to be associated with disease. The following publication has been ascertained in the context of this evaluation (PMID: 24675615). ClinVar contains an entry for this variant (Variation ID: 100425). Based on the evidence outlined above, the variant was classified as pathogenic.

Center for Personalized Medicine, Children's Hospital Los Angeles
Classification: Pathogenic. Last evaluated: 2022-12-21. Review status: criteria provided, single submitter. Criteria: ACMG Guidelines, 2015. Collection method: clinical testing. Allele origin: unknown. Affected: yes.

Genetics and Molecular Pathology, SA Pathology
Classification: Pathogenic for von Willebrand disease type 2. Last evaluated: 2022-11-04. Review status: criteria provided, single submitter. Criteria: ACMG Guidelines, 2015. Collection method: clinical testing. Allele origin: germline. Affected: yes.
Comment: The VWF c.5335C>T variant is classified as Pathogenic (PVS1, PS4_Moderate, PM2) The VWF c.5335C>T variant is a single nucleotide change which is predicted to result in premature termination of the protein product at codon 1779 (PVS1). The variant has been reported in HGMD in 5 probands with a clinical presentation of Von Willebrand disease (HGMD: CM070340) (PS4_Moderate). The variant is rare in population databases (PM2). The variant has been reported in dbSNP (rs61750606) and in the HGMD database: CM070340. It has been reported as Pathogenic by other diagnostic laboratories (ClinVar Variation ID: 100425).

Juno Genomics, Hangzhou Juno Genomics, Inc
Classification: Pathogenic for von Willebrand disease type 1; von Willebrand disease type 3. Review status: criteria provided, single submitter. Criteria: ACMG Guidelines, 2015. Collection method: clinical testing. Allele origin: germline.
Comment: Absent from controls (or at extremely low frequency if recessive) in Genome Aggregation Database.;Null variant in a gene where loss of function (LOF) is a known mechanism of disease.;For recessive disorders, detected in trans with a pathogenic variant.;The prevalence of the variant in affected individuals is significantly increased compared to the prevalence in controls.

PreventionGenetics, part of Exact Sciences
Classification: Pathogenic for VWF-related condition. Last evaluated: 2024-02-08. Review status: no assertion criteria provided. Collection method: clinical testing. Allele origin: germline. Not counted in ClinVar's aggregate classification.
Comment: The VWF c.5335C>T variant is predicted to result in premature protein termination (p.Arg1779*). This variant has been reported in individuals with Von Willebrand disease (Goodeve et al. 2007. PubMed ID: 16985174; Ahmad et al. 2014. PubMed ID: 24712919; Liang et al. 2017. PubMed ID: 28536718; Elayaperumal et al. 2018. PubMed ID: 29984440). This variant is reported in 0.0029% of alleles in individuals of Latino descent in gnomAD. Nonsense variants in VWF are expected to be pathogenic. This variant is interpreted as pathogenic.

Angelo Bianchi Bonomi Hemophilia and Thrombosis Center, Fondazione IRCCS Ca Granda Ospedale Maggiore Policlinico
Classification: Pathogenic for von Willebrand disease type 3. Last evaluated: 2021-04-12. Review status: no assertion criteria provided. Collection method: clinical testing. Allele origin: germline. Affected: yes. Study: Type 3 Von Willebrand International Registries Inhibitor Prospective Study (3WINTERS-IPS). Not counted in ClinVar's aggregate classification.

Academic Unit of Haematology, University of Sheffield
No classification provided. Review status: no classification provided. Collection method: not provided. Allele origin: not provided. Not counted in ClinVar's aggregate classification.

Literature cited by the submitters: PubMed 16985174 (cited by Quest Diagnostics Nichols Institute San Juan Capistrano); PubMed 24712919 (cited by Quest Diagnostics Nichols Institute San Juan Capistrano); PubMed 28536718 (cited by Quest Diagnostics Nichols Institute San Juan Capistrano); PubMed 29984440 (cited by Quest Diagnostics Nichols Institute San Juan Capistrano); PubMed 24675615 (cited by Women's Health and Genetics/Laboratory Corporation of America, LabCorp).

NM_000552.5(VWF):c.5335C>T (p.Arg1779Ter)

Gene: VWF (von Willebrand factor; minus strand). Cytogenetic location: 12p13.31.
Variant type: single nucleotide variant.
Coding change: c.5335C>T on transcript NM_000552.5 (MANE Select); coding-DNA position 5335, C replaced by T.
Protein change: p.Arg1779Ter; replaces arginine 1779 with a stop codon.
Molecular consequence: nonsense.
Genome position (GRCh38, 1-based): chr12:6,016,209, G>A on the plus strand (C>T on the coding strand, the complement: VWF is on the minus strand). VCF-style: chr12-6016209-G-A. GRCh37 (hg19) VCF-style: chr12-6125375-G-A.
Other names: c.5335C>T (NM_000552.4); short protein forms R1779*.
Identifiers: ClinVar variation 100425 (VCV000100425.13), dbSNP rs61750606, ClinGen allele CA228713.